The following is an entry in ClinVar:

NM_000081.4(LYST):c.3497G>A (p.Arg1166Gln)

Gene: LYST (lysosomal trafficking regulator; minus strand). Cytogenetic location: 1q42.3.
Variant type: single nucleotide variant.
Coding change: c.3497G>A on transcript NM_000081.4 (MANE Select); coding-DNA position 3497, G replaced by A.
Protein change: p.Arg1166Gln; replaces arginine 1166 with glutamine.
Molecular consequence: missense variant.
Genome position (GRCh38, 1-based): chr1:235,804,562, C>T on the plus strand (G>A on the coding strand, the complement: LYST is on the minus strand). VCF-style: chr1-235804562-C-T. GRCh37 (hg19) VCF-style: chr1-235967862-C-T.
Other names: p.Arg1166Gln; c.3497G>A, p.Arg1166Gln (NM_001301365.1); short protein forms R1166Q.
Identifiers: ClinVar variation 2084808 (VCV002084808.2), dbSNP rs767798238, ClinGen allele CA1467067.

ClinVar aggregate classification (germline): Uncertain significance. Review status: criteria provided, multiple submitters, no conflicts (2 of 4 stars). 2 submissions from 2 submitters: Uncertain significance (2). Last evaluated 2023-09-13.

Conditions:
Chédiak-Higashi syndrome (CHS). Also called: Chediak-Higashi Syndrome. Identifiers: Orphanet 167, MedGen C0007965, MONDO:0008963, OMIM 214500.

Allele frequency attached by ClinVar (database versions not stated): gnomAD exomes 0.00001; ExAC 0.00002; TOPMed 0.00002; gnomAD 0.00003.
gnomAD v4.1: 17 of 1,612,986 alleles (0.0011%); highest among the groups gnomAD compares: East Asian, 0.0045%; 1 homozygote.

Submissions (2):

Mayo Clinic Laboratories, Mayo Clinic
Classification: Uncertain significance. Last evaluated: 2023-09-13. Review status: criteria provided, single submitter. Criteria: ACMG Guidelines, 2015. Collection method: clinical testing. Allele origin: germline. Observed: 1 variant allele.
Comment: BP4

Labcorp Genetics (formerly Invitae), Labcorp
Classification: Uncertain significance for Chédiak-Higashi syndrome. Last evaluated: 2022-05-17. Review status: criteria provided, single submitter. Criteria: Invitae Variant Classification Sherloc (09022015). Collection method: clinical testing. Allele origin: germline.
Comment: This sequence change replaces arginine, which is basic and polar, with glutamine, which is neutral and polar, at codon 1166 of the LYST protein (p.Arg1166Gln). This variant is present in population databases (rs767798238, gnomAD 0.007%). This variant has not been reported in the literature in individuals affected with LYST-related conditions. Algorithms developed to predict the effect of missense changes on protein structure and function are either unavailable or do not agree on the potential impact of this missense change (SIFT: "Tolerated"; PolyPhen-2: "Probably Damaging"; Align-GVGD: "Class C0"). In summary, the available evidence is currently insufficient to determine the role of this variant in disease. Therefore, it has been classified as a Variant of Uncertain Significance.